The following is an entry in ClinVar:

ClinVar aggregate classification (germline): Uncertain significance (1 of 4 stars; one submission).

Conditions:
Cardiovascular phenotype. Identifiers: MedGen CN230736.

gnomAD v4.1: 1 of 1,551,520 alleles (0.000064%); no homozygotes.

Submission:

Ambry Genetics
Classification: Uncertain significance for Cardiovascular phenotype. Last evaluated: 2026-04-27. Review status: criteria provided, single submitter. Criteria: Ambry Variant Classification Scheme 2023. Collection method: clinical testing. Allele origin: germline.
Comment: The p.G1167R variant (also known as c.3499G>A), located in coding exon 13 of the RBM20 gene, results from a G to A substitution at nucleotide position 3499. The glycine at codon 1167 is replaced by arginine, an amino acid with dissimilar properties. This amino acid position is conserved. In addition, this alteration is predicted to be deleterious by in silico analysis. Based on the available evidence, the clinical significance of this variant remains unclear.

NM_001134363.3(RBM20):c.3499G>A (p.Gly1167Arg)

Gene: RBM20 (RNA binding motif protein 20; plus strand). Cytogenetic location: 10q25.2.
Variant type: single nucleotide variant.
Coding change: c.3499G>A on transcript NM_001134363.3 (MANE Select); coding-DNA position 3499, G replaced by A.
Protein change: p.Gly1167Arg; replaces glycine 1167 with arginine.
Molecular consequence: missense variant.
Genome position (GRCh38, 1-based): chr10:110,831,108, G>A. VCF-style: chr10-110831108-G-A. GRCh37 (hg19) VCF-style: chr10-112590866-G-A.
Other names: short protein forms G1167R.
Identifiers: ClinVar variation 4863067 (VCV004863067.1).